The following is an entry in ClinVar:

ClinVar aggregate classification (germline): Pathogenic/Likely pathogenic. Review status: criteria provided, multiple submitters, no conflicts (2 of 4 stars). 5 submissions from 5 submitters: Pathogenic (4); Likely pathogenic (1). Last evaluated 2024-11-06.

Conditions:
MYBPC3-related disorder. Also called: MYBPC3-related disorders; MYBPC3-related condition; MYBPC3-related disease.
Cardiovascular phenotype. Identifiers: MedGen CN230736.
Cardiomyopathy (CMYO). Also called: Cardiomyopathies. Identifiers: Orphanet 167848, MedGen C0878544, MONDO:0004994, HP:0001638. Inheritance: Various modes of inheritance.
Hypertrophic cardiomyopathy. Also called: HYPERTROPHIC MYOCARDIOPATHY. Identifiers: Orphanet 217569, MedGen C0007194, MeSH D002312, MONDO:0005045, HP:0001639.

Submissions (5):

Molecular Diagnostic Laboratory for Inherited Cardiovascular Disease, Montreal Heart Institute
Classification: Pathogenic for Cardiovascular phenotype. Last evaluated: 2024-11-06. Review status: criteria provided, single submitter. Criteria: ACMG Guidelines, 2015. Collection method: clinical testing. Allele origin: germline. Affected: yes.
Comment: PVS1, PM2, PS4_supp

Blueprint Genetics
Classification: Likely pathogenic for MYBPC3-related disorders. Last evaluated: 2024-05-29. Review status: criteria provided, single submitter. Criteria: ACMG Guidelines, 2015. Collection method: clinical testing. Allele origin: germline. Affected: yes. Observed: 3 variant alleles.

Labcorp Genetics (formerly Invitae), Labcorp
Classification: Pathogenic for Hypertrophic cardiomyopathy. Last evaluated: 2024-05-26. Review status: criteria provided, single submitter. Criteria: Invitae Variant Classification Sherloc (09022015). Collection method: clinical testing. Allele origin: germline.
Comment: This sequence change affects a donor splice site in intron 27 of the MYBPC3 gene. RNA analysis indicates that disruption of this splice site induces altered splicing and likely results in a shortened protein product. This variant is not present in population databases (gnomAD no frequency). Disruption of this splice site has been observed in individuals with hypertrophic cardiomyopathy (PMID: 21302287, 21959974, 30550750). ClinVar contains an entry for this variant (Variation ID: 42667). Studies have shown that disruption of this splice site results in skipping of exon 27, but is expected to preserve the integrity of the reading-frame (PMID: 11499719, 25031304). For these reasons, this variant has been classified as Pathogenic.

Color Diagnostics, LLC DBA Color Health
Classification: Pathogenic for Cardiomyopathy. Last evaluated: 2024-03-12. Review status: criteria provided, single submitter. Criteria: ACMG Guidelines, 2015. Collection method: clinical testing. Allele origin: germline.
Comment: This variant causes a G>C nucleotide substitution at the canonical +1 position of intron 27 of the MYBPC3 gene. Splice site prediction tools predict that this variant may have a significant impact on RNA splicing. Although this prediction has not been confirmed in published RNA studies, this variant is expected to result in an absent or disrupted protein product. This variant has been reported in at least one individual affected with hypertrophic cardiomyopathy (PMID: 25611685, 27532257, 33495597). This variant has not been identified in the general population by the Genome Aggregation Database (gnomAD). A different variant affecting the same splice donor site, c.2905+1G>A, is known to be disease-causing (ClinVar variation ID: 42666). Loss of MYBPC3 function is a known mechanism of disease. Based on the available evidence, this variant is classified as Pathogenic.

Laboratory for Molecular Medicine, Mass General Brigham Personalized Medicine
Classification: Pathogenic for Hypertrophic cardiomyopathy. Last evaluated: 2012-08-30. Review status: criteria provided, single submitter. Criteria: LMM Criteria. Collection method: clinical testing. Allele origin: germline. Inheritance: Autosomal dominant inheritance. Observed: 1 variant allele.

Literature cited by the submitters: PubMed 21302287 (cited by Labcorp Genetics (formerly Invitae), Labcorp); PubMed 21959974 (cited by Labcorp Genetics (formerly Invitae), Labcorp); PubMed 30550750 (cited by Labcorp Genetics (formerly Invitae), Labcorp); PubMed 11499719 (cited by Labcorp Genetics (formerly Invitae), Labcorp and Laboratory for Molecular Medicine, Mass General Brigham Personalized Medicine); PubMed 25031304 (cited by Labcorp Genetics (formerly Invitae), Labcorp); PubMed 25611685 (cited by Color Diagnostics, LLC DBA Color Health); PubMed 27532257 (cited by Color Diagnostics, LLC DBA Color Health); PubMed 33495597 (cited by Color Diagnostics, LLC DBA Color Health).

NM_000256.3(MYBPC3):c.2905+1G>C

Gene: MYBPC3 (myosin binding protein C3; minus strand). Cytogenetic location: 11p11.2.
Variant type: single nucleotide variant.
Coding change: c.2905+1G>C on transcript NM_000256.3 (MANE Select); the canonical splice donor site of the intron after coding-DNA position 2905, G replaced by C.
Molecular consequence: splice donor variant.
Genome position (GRCh38, 1-based): chr11:47,335,041, C>G on the plus strand (G>C on the coding strand, the complement: MYBPC3 is on the minus strand). VCF-style: chr11-47335041-C-G. GRCh37 (hg19) VCF-style: chr11-47356592-C-G.
Identifiers: ClinVar variation 42667 (VCV000042667.8), dbSNP rs397515991, ClinGen allele CA013139.
Genomic context (GRCh38, chr11:47,335,041, plus strand): 5'-TGGACACCAAGGGCCTGGGGTGTCAATGGCGGGTCTTGTGACTGCACAAAGGGGCACTCA[C>G]GCAGGATCTCCTGCACTGTCACCGGCTCCGTGGTGGTAACAGGGGCTCCAGGCCCTGCCA-3'